The following is an entry in ClinVar:

NM_004260.4(RECQL4):c.3552G>A (p.Trp1184Ter)

Gene: RECQL4 (RecQ like helicase 4; minus strand). Cytogenetic location: 8q24.3.
Variant type: single nucleotide variant.
Coding change: c.3552G>A on transcript NM_004260.4 (MANE Select); coding-DNA position 3552, G replaced by A.
Protein change: p.Trp1184Ter; replaces tryptophan 1184 with a stop codon.
Molecular consequence: nonsense.
Genome position (GRCh38, 1-based): chr8:144,511,506, C>T on the plus strand (G>A on the coding strand, the complement: RECQL4 is on the minus strand). VCF-style: chr8-144511506-C-T. GRCh37 (hg19) VCF-style: chr8-145736889-C-T.
Other names: short protein forms W1184*.
Identifiers: ClinVar variation 658605 (VCV000658605.4), dbSNP rs1564786587, ClinGen allele CA372665900.

ClinVar aggregate classification (germline): Uncertain significance. Review status: criteria provided, multiple submitters, no conflicts (2 of 4 stars). 2 submissions from 2 submitters: Uncertain significance (2). Last evaluated 2024-01-31.

Conditions:
Baller-Gerold syndrome (BGS). Also called: CRANIOSYNOSTOSIS WITH RADIAL DEFECTS. Identifiers: Orphanet 1225, MedGen C0265308, MONDO:0009039, OMIM 218600.

Allele frequency attached by ClinVar (database versions not stated): gnomAD exomes below 0.00001; gnomAD 0.00001.
gnomAD v4.1: 6 of 1,612,494 alleles (0.00037%); highest among the groups gnomAD compares: Non-Finnish European, 0.00051%; no homozygotes.

Submissions (2):

Blueprint Genetics
Classification: Uncertain significance. Last evaluated: 2024-01-31. Review status: criteria provided, single submitter. Criteria: ACMG Guidelines, 2015. Collection method: clinical testing. Allele origin: germline.

Labcorp Genetics (formerly Invitae), Labcorp
Classification: Uncertain significance for Baller-Gerold syndrome. Last evaluated: 2022-12-17. Review status: criteria provided, single submitter. Criteria: Invitae Variant Classification Sherloc (09022015). Collection method: clinical testing. Allele origin: germline.
Comment: In summary, the available evidence is currently insufficient to determine the role of this variant in disease. Therefore, it has been classified as a Variant of Uncertain Significance. Experimental studies and prediction algorithms are not available or were not evaluated, and the functional significance of this variant is currently unknown. ClinVar contains an entry for this variant (Variation ID: 658605). This variant has not been reported in the literature in individuals affected with RECQL4-related conditions. This variant is not present in population databases (gnomAD no frequency). This sequence change creates a premature translational stop signal (p.Trp1184*) in the RECQL4 gene. While this is not anticipated to result in nonsense mediated decay, it is expected to disrupt the last 25 amino acid(s) of the RECQL4 protein.